The following is an entry in ClinVar:

ClinVar aggregate classification (germline): Uncertain significance. Review status: criteria provided, multiple submitters, no conflicts (2 of 4 stars). 2 submissions from 2 submitters: Uncertain significance (2). Last evaluated 2024-12-02.

Conditions:
Vitamin D-dependent rickets type II with alopecia (VDDR2A). Also called: GENERALIZED RESISTANCE TO 1,25-DIHYDROXYVITAMIN D; HYPOCALCEMIC VITAMIN D-RESISTANT RICKETS; PDDR IIA; PSEUDOVITAMIN D-DEFICIENCY, TYPE IIA; RICKETS, HEREDITARY VITAMIN D-RESISTANT; RICKETS-ALOPECIA SYNDROME. Identifiers: Orphanet 93160, MedGen C0342646, MONDO:0010186, OMIM 277440.

Allele frequency attached by ClinVar (database versions not stated): gnomAD 0.00001; gnomAD exomes 0.00001; TOPMed 0.00001; ExAC 0.00003; 1000 Genomes Project 30x 0.00016; 1000 Genomes Project 0.00020.
gnomAD v4.1: 15 of 1,614,184 alleles (0.00093%); highest among the groups gnomAD compares: East Asian, 0.0022%; no homozygotes.

Submissions (2):

Labcorp Genetics (formerly Invitae), Labcorp
Classification: Uncertain significance. Last evaluated: 2024-12-02. Review status: criteria provided, single submitter. Criteria: Invitae Variant Classification Sherloc (09022015). Collection method: clinical testing. Allele origin: germline.
Comment: This sequence change replaces isoleucine, which is neutral and non-polar, with threonine, which is neutral and polar, at codon 242 of the VDR protein (p.Ile242Thr). This variant is present in population databases (rs560458649, gnomAD 0.006%). This variant has not been reported in the literature in individuals affected with VDR-related conditions. ClinVar contains an entry for this variant (Variation ID: 2179980). Invitae Evidence Modeling of protein sequence and biophysical properties (such as structural, functional, and spatial information, amino acid conservation, physicochemical variation, residue mobility, and thermodynamic stability) indicates that this missense variant is not expected to disrupt VDR protein function with a negative predictive value of 80%. In summary, the available evidence is currently insufficient to determine the role of this variant in disease. Therefore, it has been classified as a Variant of Uncertain Significance.

Fulgent Genetics
Classification: Uncertain significance for Vitamin D-dependent rickets type II with alopecia. Last evaluated: 2024-04-10. Review status: criteria provided, single submitter. Criteria: ACMG Guidelines, 2015. Collection method: clinical testing. Allele origin: germline.

NM_000376.3(VDR):c.725T>C (p.Ile242Thr)

Gene: VDR (vitamin D receptor; minus strand). Cytogenetic location: 12q13.11.
Variant type: single nucleotide variant.
Coding change: c.725T>C on transcript NM_000376.3 (MANE Select); coding-DNA position 725, T replaced by C.
Protein change: p.Ile242Thr; replaces isoleucine 242 with threonine.
Molecular consequence: missense variant.
Genome position (GRCh38, 1-based): chr12:47,855,660, A>G on the plus strand (T>C on the coding strand, the complement: VDR is on the minus strand). VCF-style: chr12-47855660-A-G. GRCh37 (hg19) VCF-style: chr12-48249443-A-G.
Other names: c.725T>C (NM_001017535.1); c.725T>C, p.Ile242Thr (NM_001017535.2, NM_001364085.2, NM_001374661.1 and 1 more transcripts); c.875T>C, p.Ile292Thr (NM_001017536.2); short protein forms I242T, I292T.
Identifiers: ClinVar variation 2179980 (VCV002179980.4), dbSNP rs560458649, ClinGen allele CA6533872.